The following is an entry in ClinVar:

NM_005445.4(SMC3):c.2899C>T (p.Arg967Ter)

Gene: SMC3 (structural maintenance of chromosomes 3; plus strand). Cytogenetic location: 10q25.2.
Variant type: single nucleotide variant.
Coding change: c.2899C>T on transcript NM_005445.4 (MANE Select); coding-DNA position 2899, C replaced by T.
Protein change: p.Arg967Ter; replaces arginine 967 with a stop codon.
Molecular consequence: nonsense.
Genome position (GRCh38, 1-based): chr10:110,601,972, C>T. VCF-style: chr10-110601972-C-T. GRCh37 (hg19) VCF-style: chr10-112361730-C-T.
Other names: short protein forms R967*.
Identifiers: ClinVar variation 2784079 (VCV002784079.3), dbSNP rs774545380, ClinGen allele CA378393974.
Genomic context (GRCh38, chr10:110,601,972, plus strand): 5'-CAAATTGCTCAGTATATAAATTTATTTATATGAATACATATTTTCTCTTTATAGTTGTTT[C>T]GAAAACTTGAGCAGTGCAACACAGAATTAAAGAAGTACAGCCATGTTAACAAAAAGGCTT-3'

ClinVar aggregate classification (germline): Pathogenic (1 of 4 stars; one submission).

Conditions:
Cornelia de Lange syndrome 3 (CDLS3). Also called: SMC3-Related Cornelia de Lange Syndrome; CORNELIA DE LANGE SYNDROME 3 WITH OR WITHOUT MIDLINE BRAIN DEFECTS. Identifiers: Orphanet 199, MedGen C1853099, MONDO:0012555, OMIM 610759.

Submission:

Labcorp Genetics (formerly Invitae), Labcorp
Classification: Pathogenic for Cornelia de Lange syndrome 3. Last evaluated: 2024-11-06. Review status: criteria provided, single submitter. Criteria: Invitae Variant Classification Sherloc (09022015). Collection method: clinical testing. Allele origin: germline.
Comment: This sequence change creates a premature translational stop signal (p.Arg967*) in the SMC3 gene. It is expected to result in an absent or disrupted protein product. Loss-of-function variants in SMC3 are known to be pathogenic (PMID: 17273969, 38297832). This variant is not present in population databases (gnomAD no frequency). This variant has not been reported in the literature in individuals affected with SMC3-related conditions. ClinVar contains an entry for this variant (Variation ID: 2784079). For these reasons, this variant has been classified as Pathogenic.

Literature cited by the submitters: PubMed 17273969; PubMed 38297832.